The following is an entry in ClinVar:

NM_000548.5(TSC2):c.2555G>A (p.Arg852Lys)

Gene: TSC2 (TSC complex subunit 2; plus strand). Cytogenetic location: 16p13.3.
Variant type: single nucleotide variant.
Coding change: c.2555G>A on transcript NM_000548.5 (MANE Select); coding-DNA position 2555, G replaced by A.
Protein change: p.Arg852Lys; replaces arginine 852 with lysine.
Molecular consequence: missense variant.
Genome position (GRCh38, 1-based): chr16:2,075,808, G>A. VCF-style: chr16-2075808-G-A. GRCh37 (hg19) VCF-style: chr16-2125809-G-A.
Other names: c.2555G>A, p.Arg852Lys (NM_001077183.3, NM_001114382.3, NM_001363528.2 and 3 more transcripts); c.2444G>A, p.Arg815Lys (NM_001318827.2); c.2408G>A, p.Arg803Lys (NM_001318829.2); c.1955G>A, p.Arg652Lys (NM_001318831.2); c.2588G>A, p.Arg863Lys (NM_001318832.2); short protein forms R803K, R815K, R652K, R863K, R852K.
Identifiers: ClinVar variation 1430377 (VCV001430377.10), dbSNP rs2151379894, ClinGen allele CA394278287.

ClinVar aggregate classification (germline): Uncertain significance. Review status: criteria provided, multiple submitters, no conflicts (2 of 4 stars). 2 submissions from 2 submitters: Uncertain significance (2). Last evaluated 2021-06-17.

Conditions:
Hereditary cancer-predisposing syndrome. Also called: Hereditary neoplastic syndrome; Tumor predisposition; Hereditary Cancer Syndrome; Neoplastic Syndromes, Hereditary. Identifiers: Orphanet 140162, MedGen C0027672, MeSH D009386, MONDO:0015356.
Tuberous sclerosis 2 (TSC2). Identifiers: Orphanet 805, MedGen C1860707, MONDO:0013199, OMIM 613254.

Submissions (2):

Labcorp Genetics (formerly Invitae), Labcorp
Classification: Uncertain significance for Tuberous sclerosis 2. Last evaluated: 2021-06-17. Review status: criteria provided, single submitter. Criteria: Invitae Variant Classification Sherloc (09022015). Collection method: clinical testing. Allele origin: germline.
Comment: In summary, the available evidence is currently insufficient to determine the role of this variant in disease. Therefore, it has been classified as a Variant of Uncertain Significance. Advanced modeling of protein sequence and biophysical properties (such as structural, functional, and spatial information, amino acid conservation, physicochemical variation, residue mobility, and thermodynamic stability) performed at Invitae indicates that this missense variant is not expected to disrupt TSC2 protein function. This variant has not been reported in the literature in individuals with TSC2-related conditions. This variant is not present in population databases (ExAC no frequency). This sequence change replaces arginine with lysine at codon 852 of the TSC2 protein (p.Arg852Lys). The arginine residue is highly conserved and there is a small physicochemical difference between arginine and lysine.

Ambry Genetics
Classification: Uncertain significance for Hereditary cancer-predisposing syndrome. Last evaluated: 2021-06-11. Review status: criteria provided, single submitter. Criteria: Ambry Variant Classification Scheme 2023. Collection method: clinical testing. Allele origin: germline.
Comment: The p.R852K variant (also known as c.2555G>A), located in coding exon 22 of the TSC2 gene, results from a G to A substitution at nucleotide position 2555. The arginine at codon 852 is replaced by lysine, an amino acid with highly similar properties. This amino acid position is highly conserved in available vertebrate species. In addition, this alteration is predicted to be deleterious by in silico analysis. Since supporting evidence is limited at this time, the clinical significance of this alteration remains unclear.